The following is an entry in ClinVar:

ClinVar aggregate classification (germline): Uncertain significance (1 of 4 stars; one submission).

Conditions:
Hyperkalemic periodic paralysis. Also called: Familial hyperkalemic periodic paralysis; Gamstorp disease. Identifiers: Orphanet 682, MedGen C0238357, MONDO:0008224, OMIM 170500, HP:0007215.

Submission:

Labcorp Genetics (formerly Invitae), Labcorp
Classification: Uncertain significance for Hyperkalemic periodic paralysis. Last evaluated: 2023-01-26. Review status: criteria provided, single submitter. Criteria: Invitae Variant Classification Sherloc (09022015). Collection method: clinical testing. Allele origin: germline.
Comment: In summary, the available evidence is currently insufficient to determine the role of this variant in disease. Therefore, it has been classified as a Variant of Uncertain Significance. Advanced modeling of protein sequence and biophysical properties (such as structural, functional, and spatial information, amino acid conservation, physicochemical variation, residue mobility, and thermodynamic stability) performed at Invitae indicates that this missense variant is expected to disrupt SCN4A protein function. This variant has not been reported in the literature in individuals affected with SCN4A-related conditions. This variant is not present in population databases (gnomAD no frequency). This sequence change replaces aspartic acid, which is acidic and polar, with glycine, which is neutral and non-polar, at codon 1515 of the SCN4A protein (p.Asp1515Gly).

NM_000334.4(SCN4A):c.4544A>G (p.Asp1515Gly)

Genes: GH-LCR (growth hormone locus control region; plus strand), SCN4A (sodium voltage-gated channel alpha subunit 4; minus strand). Cytogenetic location: 17q23.3.
Variant type: single nucleotide variant.
Coding change: c.4544A>G on transcript NM_000334.4 (MANE Select); coding-DNA position 4544, A replaced by G.
Protein change: p.Asp1515Gly; replaces aspartic acid 1515 with glycine.
Molecular consequence: missense variant.
Genome position (GRCh38, 1-based): chr17:63,941,738, T>C on the plus strand (A>G on the coding strand, the complement: SCN4A is on the minus strand). VCF-style: chr17-63941738-T-C. GRCh37 (hg19) VCF-style: chr17-62019098-T-C.
Other names: short protein forms D1515G.
Identifiers: ClinVar variation 2885398 (VCV002885398.3), dbSNP rs2509284852, ClinGen allele CA400615791.